The following is an entry in ClinVar:

ClinVar aggregate classification (germline): Uncertain significance. Review status: criteria provided, multiple submitters, no conflicts (2 of 4 stars). 2 submissions from 2 submitters: Uncertain significance (2). Last evaluated 2024-07-02.

Conditions:
Colorectal cancer, susceptibility to, 1. Also called: COLORECTAL ADENOMA AND CANCER, SUSCEPTIBILITY TO; COLORECTAL CANCER, SUSCEPTIBILITY TO, ON CHROMOSOME 9. Identifiers: MedGen C1837315, MONDO:0012132, OMIM 608812.

Submissions (2):

Department of Pathology and Laboratory Medicine, Sinai Health System
Classification: Uncertain significance for Colorectal cancer, susceptibility to, 1. Last evaluated: 2024-07-02. Review status: criteria provided, single submitter. Criteria: ACMG Guidelines, 2015. Collection method: clinical testing. Allele origin: germline.

Ambry Genetics
Classification: Uncertain significance. Last evaluated: 2021-11-10. Review status: criteria provided, single submitter. Criteria: Ambry Variant Classification Scheme 2023. Collection method: clinical testing. Allele origin: germline.
Comment: The p.A29T variant (also known as c.85G>A), located in coding exon 1 of the GALNT12 gene, results from a G to A substitution at nucleotide position 85. The alanine at codon 29 is replaced by threonine, an amino acid with similar properties. This amino acid position is conserved. In addition, this alteration is predicted to be tolerated by in silico analysis. Since supporting evidence is limited at this time, the clinical significance of this alteration remains unclear.

NM_024642.5(GALNT12):c.85G>A (p.Ala29Thr)

Genes: GALNT12 (polypeptide N-acetylgalactosaminyltransferase 12; plus strand), LOC130002222 (ATAC-STARR-seq lymphoblastoid silent region 20123; plus strand). Cytogenetic location: 9q22.33.
Variant type: single nucleotide variant.
Coding change: c.85G>A on transcript NM_024642.5 (MANE Select); coding-DNA position 85, G replaced by A.
Protein change: p.Ala29Thr; replaces alanine 29 with threonine.
Molecular consequence: missense variant.
Genome position (GRCh38, 1-based): chr9:98,807,783, G>A. VCF-style: chr9-98807783-G-A. GRCh37 (hg19) VCF-style: chr9-101570065-G-A.
Other names: short protein forms A29T.
Identifiers: ClinVar variation 1764005 (VCV001764005.3), dbSNP rs2490454965, ClinGen allele CA374222219.
Genomic context (GRCh38, chr9:98,807,783, plus strand): 5'-CGCTGCCCGCGGGAACTGCGGCGCGGCCGGGAGGCGCTGTTGGTGCTCCTGGCGCTACTG[G>A]CGTTGGCCGGGCTGGGCTCGGTGCTGCGGGCGCAGCGTGGGGCCGGGGCCGGGGCTGCCG-3'
Protein context (NP_078918.3, residues 19-39): EALLVLLALL[Ala29Thr]LAGLGSVLRA